The following is an entry in ClinVar:

NM_005869.4(CWC27):c.1004T>G (p.Val335Gly)

Gene: CWC27 (CWC27 spliceosome associated cyclophilin; plus strand). Cytogenetic location: 5q12.3.
Variant type: single nucleotide variant.
Coding change: c.1004T>G on transcript NM_005869.4 (MANE Select); coding-DNA position 1004, T replaced by G.
Protein change: p.Val335Gly; replaces valine 335 with glycine.
Molecular consequence: missense variant.
Genome position (GRCh38, 1-based): chr5:64,885,508, T>G. VCF-style: chr5-64885508-T-G. GRCh37 (hg19) VCF-style: chr5-64181335-T-G.
Other names: c.1004T>G (NM_005869.2, NM_005869.3); c.1004T>G, p.Val335Gly (NM_001297644.1, NM_001364478.1); short protein forms V335G.
Identifiers: ClinVar variation 1022424 (VCV001022424.9), dbSNP rs199774142, ClinGen allele CA3282181.

ClinVar aggregate classification (germline): Uncertain significance. Review status: criteria provided, multiple submitters, no conflicts (2 of 4 stars). 4 submissions from 4 submitters: Uncertain significance (4). Last evaluated 2025-05-21.

Conditions:
CWC27-related disorder. Also called: CWC27-related condition.
Metaphyseal chondrodysplasia-retinitis pigmentosa syndrome. Also called: Retinitis pigmentosa with or without skeletal anomalies. Identifiers: Orphanet 166035, MedGen C1855188, MONDO:0009598, OMIM 250410.
Inborn genetic diseases. Identifiers: MedGen C0950123, MeSH D030342.

Allele frequency attached by ClinVar (database versions not stated): gnomAD 0.00003; ESP Exome Variant Server 0.00008; TOPMed 0.00008; gnomAD exomes 0.00015; 1000 Genomes Project 30x 0.00016; 1000 Genomes Project 0.00020; ExAC 0.00027.
gnomAD v4.1: 280 of 1,607,002 alleles (0.017%); highest among the groups gnomAD compares: Non-Finnish European, 0.023%; 1 homozygote.

Submissions (4):

PreventionGenetics, part of Exact Sciences
Classification: Uncertain significance for CWC27-related condition. Last evaluated: 2025-05-21. Review status: criteria provided, single submitter. Criteria: ACMG Guidelines, 2015. Collection method: clinical testing. Allele origin: germline.
Comment: The CWC27 c.1004T>G variant is predicted to result in the amino acid substitution p.Val335Gly. To our knowledge, this variant has not been reported in the literature. This variant is reported in 0.028% of alleles in individuals of European (Non-Finnish) descent in gnomAD. At this time, the clinical significance of this variant is uncertain due to the absence of conclusive functional and genetic evidence.

Ambry Genetics
Classification: Uncertain significance for Inborn genetic diseases. Last evaluated: 2025-04-03. Review status: criteria provided, single submitter. Criteria: Ambry Variant Classification Scheme 2023. Collection method: clinical testing. Allele origin: germline.

Labcorp Genetics (formerly Invitae), Labcorp
Classification: Uncertain significance. Last evaluated: 2025-01-06. Review status: criteria provided, single submitter. Criteria: Invitae Variant Classification Sherloc (09022015). Collection method: clinical testing. Allele origin: germline.
Comment: This sequence change replaces valine, which is neutral and non-polar, with glycine, which is neutral and non-polar, at codon 335 of the CWC27 protein (p.Val335Gly). The frequency data for this variant in the population databases is considered unreliable, as metrics indicate poor data quality at this position in the gnomAD database. This variant has not been reported in the literature in individuals affected with CWC27-related conditions. ClinVar contains an entry for this variant (Variation ID: 1022424). An algorithm developed to predict the effect of missense changes on protein structure and function (PolyPhen-2) suggests that this variant¬†is likely to be tolerated. In summary, the available evidence is currently insufficient to determine the role of this variant in disease. Therefore, it has been classified as a Variant of Uncertain Significance.

Department of Pathology and Laboratory Medicine, Sinai Health System
Classification: Uncertain significance for metaphyseal chondrodysplasia-retinitis pigmentosa syndrome. Last evaluated: 2022-08-02. Review status: criteria provided, single submitter. Criteria: ACMG Guidelines, 2015. Collection method: research. Allele origin: germline.